The following is an entry in ClinVar:

NM_001042492.3(NF1):c.5752A>C (p.Asn1918His)

Gene: NF1 (neurofibromin 1; plus strand). Cytogenetic location: 17q11.2.
Variant type: single nucleotide variant.
Coding change: c.5752A>C on transcript NM_001042492.3 (MANE Select); coding-DNA position 5752, A replaced by C.
Protein change: p.Asn1918His; replaces asparagine 1918 with histidine.
Molecular consequence: missense variant.
Genome position (GRCh38, 1-based): chr17:31,330,438, A>C. VCF-style: chr17-31330438-A-C. GRCh37 (hg19) VCF-style: chr17-29657456-A-C.
Other names: c.5689A>C, p.Asn1897His (NM_000267.4); short protein forms N1897H, N1918H.
Identifiers: ClinVar variation 1043338 (VCV001043338.5), dbSNP rs750915711, ClinGen allele CA399010394.

ClinVar aggregate classification (germline): Uncertain significance (1 of 4 stars; one submission).

Conditions:
Neurofibromatosis, type 1 (NF1). Also called: VON RECKLINGHAUSEN DISEASE; NEUROFIBROMATOSIS, TYPE I, SOMATIC; Peripheral type neurofibromatosis; Neurofibromatosis, type I. Identifiers: Orphanet 636, MedGen C0027831, MONDO:0018975, OMIM 162200. Disease mechanism: loss of function.

Submission:

Labcorp Genetics (formerly Invitae), Labcorp
Classification: Uncertain significance for Neurofibromatosis, type 1. Last evaluated: 2020-10-16. Review status: criteria provided, single submitter. Criteria: Invitae Variant Classification Sherloc (09022015). Collection method: clinical testing. Allele origin: germline.
Comment: In summary, the available evidence is currently insufficient to determine the role of this variant in disease. Therefore, it has been classified as a Variant of Uncertain Significance. Algorithms developed to predict the effect of missense changes on protein structure and function are either unavailable or do not agree on the potential impact of this missense change (SIFT: "Deleterious"; PolyPhen-2: "Probably Damaging"; Align-GVGD: "Class C0"). This variant has not been reported in the literature in individuals with NF1-related conditions. This variant is not present in population databases (ExAC no frequency). This sequence change replaces asparagine with histidine at codon 1897 of the NF1 protein (p.Asn1897His). The asparagine residue is moderately conserved and there is a small physicochemical difference between asparagine and histidine.